The following is an entry in ClinVar:

NM_003803.4(MYOM1):c.64_65insACCGCAACAAGGACC (p.Val22delinsAspArgAsnLysAspLeu)

Gene: MYOM1 (myomesin 1; minus strand). Cytogenetic location: 18p11.31.
Variant type: Insertion.
Coding change: c.64_65insACCGCAACAAGGACC on transcript NM_003803.4 (MANE Select); coding-DNA positions 64 to 65, ACCGCAACAAGGACC inserted.
Protein change: p.Val22delinsAspArgAsnLysAspLeu.
Molecular consequence: inframe indel.
Genome position: GRCh38 VCF-style: chr18-3215159-A-AGGTCCTTGTTGCGGT. GRCh37 (hg19) VCF-style: chr18-3215157-A-AGGTCCTTGTTGCGGT.
Other names: c.64_65insACCGCAACAAGGACC, p.Val22delinsAspArgAsnLysAspLeu (NM_019856.2).
Identifiers: ClinVar variation 1965019 (VCV001965019.5), dbSNP rs752587435, ClinGen allele CA2280923958.

ClinVar aggregate classification (germline): Uncertain significance (1 of 4 stars; one submission).

Conditions:
Hypertrophic cardiomyopathy. Also called: HYPERTROPHIC MYOCARDIOPATHY. Identifiers: Orphanet 217569, MedGen C0007194, MeSH D002312, MONDO:0005045, HP:0001639.

Submission:

Labcorp Genetics (formerly Invitae), Labcorp
Classification: Uncertain significance for Hypertrophic cardiomyopathy. Last evaluated: 2025-05-19. Review status: criteria provided, single submitter. Criteria: Invitae Variant Classification Sherloc (09022015). Collection method: clinical testing. Allele origin: germline.
Comment: This variant, c.64_65insACCGCAACAAGGACC, is a complex sequence change that results in the deletion of 1 and insertion of 6 amino acid(s) in the MYOM1 protein (p.Val22delins6). This variant is not present in population databases (gnomAD no frequency). This variant has not been reported in the literature in individuals affected with MYOM1-related conditions. ClinVar contains an entry for this variant (Variation ID: 1965019). Experimental studies and prediction algorithms are not available or were not evaluated, and the functional significance of this variant is currently unknown. In summary, the available evidence is currently insufficient to determine the role of this variant in disease. Therefore, it has been classified as a Variant of Uncertain Significance.